The following is an entry in ClinVar:

ClinVar aggregate classification (germline): Uncertain significance. Review status: criteria provided, multiple submitters, no conflicts (2 of 4 stars). 2 submissions from 2 submitters: Uncertain significance (2). Last evaluated 2022-08-08.

Conditions:
Congenital muscular dystrophy due to integrin alpha-7 deficiency. Also called: MYOPATHY, CONGENITAL, DUE TO INTEGRIN ALPHA-7 DEFICIENCY; Congenital muscular dystrophy with integrin alpha-7 deficiency; Muscular dystrophy, congenital, due to ITGA7 deficiency. Identifiers: Orphanet 34520, MedGen C2750786, MONDO:0013177, OMIM 613204.

gnomAD v4.1: 24 of 1,613,632 alleles (0.0015%); highest among the groups gnomAD compares: Admixed American, 0.0083%; no homozygotes.

Submissions (2):

Ambry Genetics
Classification: Uncertain significance. Last evaluated: 2022-08-08. Review status: criteria provided, single submitter. Criteria: Ambry Variant Classification Scheme 2023. Collection method: clinical testing. Allele origin: germline.

Labcorp Genetics (formerly Invitae), Labcorp
Classification: Uncertain significance for Congenital muscular dystrophy due to integrin alpha-7 deficiency. Last evaluated: 2022-02-09. Review status: criteria provided, single submitter. Criteria: Invitae Variant Classification Sherloc (09022015). Collection method: clinical testing. Allele origin: germline.
Comment: This sequence change replaces arginine, which is basic and polar, with cysteine, which is neutral and slightly polar, at codon 287 of the ITGA7 protein (p.Arg287Cys). This variant is present in population databases (rs563941470, gnomAD 0.007%). This variant has not been reported in the literature in individuals affected with ITGA7-related conditions. Algorithms developed to predict the effect of missense changes on protein structure and function are either unavailable or do not agree on the potential impact of this missense change (SIFT: "Deleterious"; PolyPhen-2: "Probably Damaging"; Align-GVGD: "Class C15"). In summary, the available evidence is currently insufficient to determine the role of this variant in disease. Therefore, it has been classified as a Variant of Uncertain Significance.

NM_002206.3(ITGA7):c.859C>T (p.Arg287Cys)

Gene: ITGA7 (integrin subunit alpha 7; minus strand). Cytogenetic location: 12q13.2.
Variant type: single nucleotide variant.
Coding change: c.859C>T on transcript NM_002206.3 (MANE Select); coding-DNA position 859, C replaced by T.
Protein change: p.Arg287Cys; replaces arginine 287 with cysteine.
Molecular consequence: missense variant. On other transcripts: 5 prime UTR variant (1).
Genome position (GRCh38, 1-based): chr12:55,698,849, G>A on the plus strand (C>T on the coding strand, the complement: ITGA7 is on the minus strand). VCF-style: chr12-55698849-G-A. GRCh37 (hg19) VCF-style: chr12-56092633-G-A.
Other names: c.859C>T (NM_002206.2); c.871C>T, p.Arg291Cys (NM_001144996.2, NM_001414029.1, NM_001414030.1); c.580C>T, p.Arg194Cys (NM_001144997.2); c.532C>T, p.Arg178Cys (NM_001367993.1); c.-434C>T (NM_001367994.1); c.859C>T, p.Arg287Cys (NM_001374465.1, NM_001414031.1, NM_001414034.1); c.991C>T, p.Arg331Cys (NM_001410977.1); c.739C>T, p.Arg247Cys (NM_001414032.1); and 2 more; short protein forms R194C, R178C, R287C, R291C, R331C, R174C, R226C, R247C.
Identifiers: ClinVar variation 1498394 (VCV001498394.4), dbSNP rs563941470, ClinGen allele CA237575377.